The following is an entry in ClinVar:

ClinVar aggregate classification (germline): Uncertain significance (1 of 4 stars; one submission).

Conditions:
Hereditary cancer-predisposing syndrome. Also called: Tumor predisposition; Hereditary neoplastic syndrome; Neoplastic Syndromes, Hereditary; Hereditary Cancer Syndrome. Identifiers: Orphanet 140162, MedGen C0027672, MeSH D009386, MONDO:0015356.

Submission:

Labcorp Genetics (formerly Invitae), Labcorp
Classification: Uncertain significance for Hereditary cancer-predisposing syndrome. Last evaluated: 2022-02-03. Review status: criteria provided, single submitter. Criteria: Invitae Variant Classification Sherloc (09022015). Collection method: clinical testing. Allele origin: germline.
Comment: In summary, the available evidence is currently insufficient to determine the role of this variant in disease. Therefore, it has been classified as a Variant of Uncertain Significance. Algorithms developed to predict the effect of missense changes on protein structure and function (SIFT, PolyPhen-2, Align-GVGD) all suggest that this variant is likely to be tolerated. This sequence change replaces lysine, which is basic and polar, with asparagine, which is neutral and polar, at codon 280 of the RAD50 protein (p.Lys280Asn). ClinVar contains an entry for this variant (Variation ID: 960174). This variant has not been reported in the literature in individuals affected with RAD50-related conditions. This variant is not present in population databases (gnomAD no frequency).

NM_005732.4(RAD50):c.840G>C (p.Lys280Asn)

Gene: RAD50 (RAD50 double strand break repair protein; plus strand). Cytogenetic location: 5q31.1.
Variant type: single nucleotide variant.
Coding change: c.840G>C on transcript NM_005732.4 (MANE Select); coding-DNA position 840, G replaced by C.
Protein change: p.Lys280Asn; replaces lysine 280 with asparagine.
Molecular consequence: missense variant.
Genome position (GRCh38, 1-based): chr5:132,587,645, G>C. VCF-style: chr5-132587645-G-C. GRCh37 (hg19) VCF-style: chr5-131923337-G-C.
Other names: short protein forms K280N.
Identifiers: ClinVar variation 960174 (VCV000960174.10), dbSNP rs1750618350, ClinGen allele CA360940358.